The following is an entry in ClinVar:

NM_020944.3(GBA2):c.515G>A (p.Arg172His)

Gene: GBA2 (glucosylceramidase beta 2; minus strand). Cytogenetic location: 9p13.3.
Variant type: single nucleotide variant.
Coding change: c.515G>A on transcript NM_020944.3 (MANE Select); coding-DNA position 515, G replaced by A.
Protein change: p.Arg172His; replaces arginine 172 with histidine.
Molecular consequence: missense variant.
Genome position (GRCh38, 1-based): chr9:35,744,349, C>T on the plus strand (G>A on the coding strand, the complement: GBA2 is on the minus strand). VCF-style: chr9-35744349-C-T. GRCh37 (hg19) VCF-style: chr9-35744346-C-T.
Other names: c.515G>A, p.Arg172His (NM_001330660.2); short protein forms R172H.
Identifiers: ClinVar variation 810379 (VCV000810379.49), dbSNP rs200268523, ClinGen allele CA5050699.

ClinVar aggregate classification (germline): Conflicting classifications of pathogenicity. Review status: criteria provided, conflicting classifications (1 of 4 stars). 3 submissions from 3 submitters: Pathogenic (1); Uncertain significance (2). Last evaluated 2025-10-03.

Conditions:
Spastic paraplegia. Identifiers: MedGen C0037772, HP:0001258.

Allele frequency attached by ClinVar (database versions not stated): gnomAD exomes below 0.00001; ExAC 0.00001; gnomAD 0.00002; TOPMed 0.00002.
gnomAD v4.1: 17 of 1,613,474 alleles (0.0011%); highest among the groups gnomAD compares: African/African-American, 0.0053%; no homozygotes.

Submissions (3):

Labcorp Genetics (formerly Invitae), Labcorp
Classification: Pathogenic for Spastic paraplegia. Last evaluated: 2025-10-03. Review status: criteria provided, single submitter. Criteria: Invitae Variant Classification Sherloc (09022015). Collection method: clinical testing. Allele origin: germline.
Comment: This sequence change replaces arginine, which is basic and polar, with histidine, which is basic and polar, at codon 172 of the GBA2 protein (p.Arg172His). This variant is present in population databases (rs200268523, gnomAD 0.004%). This missense change has been observed in individual(s) with clinical features of hereditary spastic paraplegia (PMID: 32590105; internal data). In at least one individual the data is consistent with being in trans (on the opposite chromosome) from a pathogenic variant. It has also been observed to segregate with disease in related individuals. ClinVar contains an entry for this variant (Variation ID: 810379). Invitae Evidence Modeling of protein sequence and biophysical properties (such as structural, functional, and spatial information, amino acid conservation, physicochemical variation, residue mobility, and thermodynamic stability) indicates that this missense variant is not expected to disrupt GBA2 protein function with a negative predictive value of 80%. This variant disrupts the p.Arg172 amino acid residue in GBA2. Other variant(s) that disrupt this residue have been observed in individuals with GBA2-related conditions (internal data), which suggests that this may be a clinically significant amino acid residue. For these reasons, this variant has been classified as Pathogenic.

Genetic Services Laboratory, University of Chicago
Classification: Uncertain significance. Last evaluated: 2021-06-17. Review status: criteria provided, single submitter. Criteria: ACMG Guidelines, 2015. Collection method: clinical testing. Allele origin: germline. Affected: no.
Comment: DNA sequence analysis of the GBA2 gene demonstrated a homozygous sequence change, c.515G>A, in exon 3 that results in an amino acid change, p.Arg172His. This sequence change has been described in one African/African American and one Finnish European individuals in the gnomAD population database (dbSNP rs200268523). This sequence change has been previously described in the compound heterozygous state in a family with hereditary spastic paraparesis (PMID: 32590105). The p.Arg172His change affects a moderately conserved amino acid residue located in the N-terminal glycosyl hydrolase domain of the glucosylceramidase beta 2 (GBA2) protein. In-silico pathogenicity prediction tools (SIFT, PolyPhen2, Align GVGD, REVEL) provide contradictory results for the p.Arg172His substitution. Due to the lack of convincing functional studies, the clinical significance of the p.Arg172His change remains unknown at this time.

CeGaT Center for Human Genetics Tuebingen
Classification: Uncertain significance. Last evaluated: 2019-04-01. Review status: criteria provided, single submitter. Criteria: CeGaT Center For Human Genetics Tuebingen Variant Classification Criteria Version 2. Collection method: clinical testing. Allele origin: germline. Affected: yes. Observed: 2 variant alleles.

Literature cited by the submitters: PubMed 32590105 (cited by Labcorp Genetics (formerly Invitae), Labcorp).